The following is an entry in ClinVar:

ClinVar aggregate classification (germline): Likely pathogenic (1 of 4 stars; one submission).

Submission:

Labcorp Genetics (formerly Invitae), Labcorp
Classification: Likely pathogenic. Last evaluated: 2021-10-27. Review status: criteria provided, single submitter. Criteria: Invitae Variant Classification Sherloc (09022015). Collection method: clinical testing. Allele origin: germline.
Comment: In summary, the currently available evidence indicates that the variant is pathogenic, but additional data are needed to prove that conclusively. Therefore, this variant has been classified as Likely Pathogenic. Algorithms developed to predict the effect of sequence changes on RNA splicing suggest that this variant may disrupt the consensus splice site. ClinVar contains an entry for this variant (Variation ID: 1067486). This variant has not been reported in the literature in individuals affected with COL7A1-related conditions. This variant is not present in population databases (gnomAD no frequency). This sequence change affects an acceptor splice site in intron 28 of the COL7A1 gene. It is expected to disrupt RNA splicing. Variants that disrupt the donor or acceptor splice site typically lead to a loss of protein function (PMID: 16199547), and loss-of-function variants in COL7A1 are known to be pathogenic (PMID: 16971478).

Literature cited by the submitters: PubMed 16199547; PubMed 16971478.

NM_000094.4(COL7A1):c.3760-1G>A

Gene: COL7A1 (collagen type VII alpha 1 chain; minus strand). Cytogenetic location: 3p21.31.
Variant type: single nucleotide variant.
Coding change: c.3760-1G>A on transcript NM_000094.4 (MANE Select); the canonical splice acceptor site of the intron before coding-DNA position 3760, G replaced by A.
Molecular consequence: splice acceptor variant.
Genome position (GRCh38, 1-based): chr3:48,585,857, C>T on the plus strand (G>A on the coding strand, the complement: COL7A1 is on the minus strand). VCF-style: chr3-48585857-C-T. GRCh37 (hg19) VCF-style: chr3-48623290-C-T.
Identifiers: ClinVar variation 1067486 (VCV001067486.5), dbSNP rs2107744367, ClinGen allele CA352702154.